The following is an entry in ClinVar:

NM_007294.4(BRCA1):c.5468-6C>G

Gene: BRCA1 (BRCA1 DNA repair associated; minus strand). Cytogenetic location: 17q21.31.
Variant type: single nucleotide variant.
Coding change: c.5468-6C>G on transcript NM_007294.4 (MANE Select); 6 bases into the intron before coding-DNA position 5468, C replaced by G.
Molecular consequence: intron variant.
Genome position (GRCh38, 1-based): chr17:43,045,808, G>C on the plus strand (C>G on the coding strand, the complement: BRCA1 is on the minus strand). VCF-style: chr17-43045808-G-C. GRCh37 (hg19) VCF-style: chr17-41197825-G-C.
Other names: c.2015-6C>G (NM_001408458.1, NM_001408461.1, NM_001408464.1 and 7 more transcripts); c.4577-6C>G (NM_001407967.1); c.5087-6C>G (NM_001407959.1); c.5201-6C>G (NM_001407931.1, NM_001407932.1, NM_001407928.1 and 4 more transcripts); c.5324-6C>G (NM_001407747.1, NM_001407745.1, NM_001407737.1 and 18 more transcripts); c.5084-6C>G (NM_001407962.1, NM_001407960.1); c.1655-6C>G (NM_001408512.1); c.1778-6C>G (NM_001408510.1); and 83 more.
Identifiers: ClinVar variation 868556 (VCV000868556.3), dbSNP rs2050891161, ClinGen allele CA916080709.

Conditions:
Breast-ovarian cancer, familial, susceptibility to, 1 (BROVCA1). Also called: BRCA1 Hereditary Breast and Ovarian Cancer; OVARIAN CANCER, SUSCEPTIBILITY TO. Identifiers: Orphanet 145, MedGen C2676676, MONDO:0011450, OMIM 604370. Disease mechanism: loss of function.

Submission:

Brotman Baty Institute, University of Washington
No classification provided (evidence only). Condition: Breast-ovarian cancer, familial 1. Review status: no classification provided. Collection method: in vitro. Allele origin: not applicable. Functional consequence: functionally_abnormal.
ClinVar note: "not provided" was previously submitted as the classification for the variant. However, the classification appeared to be based only on an observation of functional data so it was converted to no classification on 2025-07-30.